The following is an entry in ClinVar:

NM_017882.3(CLN6):c.297+19del

Gene: CLN6 (CLN6 transmembrane ER protein; minus strand). Cytogenetic location: 15q23.
Variant type: Deletion.
Coding change: c.297+19del on transcript NM_017882.3 (MANE Select); 19 bases into the intron after coding-DNA position 297, one base deleted (C; older notation c.297+19delC).
Molecular consequence: intron variant.
Genome position (GRCh38, 1-based): chr15:68,214,271, G deleted on the plus strand (C on the coding strand, the reverse complement: CLN6 is on the minus strand); the first of 5 consecutive G bases (chr15:68,214,271-68,214,275); deleting any one gives the same sequence. VCF-style (leftmost placement, unchanged base first): chr15-68214270-TG-T. GRCh37 (hg19) VCF-style: chr15-68506608-TG-T.
Other names: c.297+19delC (NM_017882.2).
Identifiers: ClinVar variation 205156 (VCV000205156.14), dbSNP rs61224699, ClinGen allele CA313945.
Genomic context (GRCh38, chr15:68,214,270, plus strand): 5'-CACAGGGCTTAGCATCACCTTCCTGCCAGGTGTGCAAAGAATGGGGATGACAGGAGAGAG[TG>T]GGGGCCCTGGGACAGTACCTTGAGCAAGAGAAAGGGCGTGATGACGTTGTAGGCCATGTG-3'

ClinVar aggregate classification (germline): Benign/Likely benign. Review status: criteria provided, multiple submitters, no conflicts (2 of 4 stars). 4 submissions from 4 submitters: Benign (3); Likely benign (1). Last evaluated 2026-01-28.

Conditions:
Neuronal ceroid lipofuscinosis. Also called: Neuronal Ceroid Lipofuscinoses. Identifiers: Orphanet 216, Orphanet 79263, MedGen C0027877, MONDO:0016295. Disease mechanism: loss of function.

Submissions (4):

Labcorp Genetics (formerly Invitae), Labcorp
Classification: Benign for Neuronal ceroid lipofuscinosis. Last evaluated: 2026-01-28. Review status: criteria provided, single submitter. Criteria: Invitae Variant Classification Sherloc (09022015). Collection method: clinical testing. Allele origin: germline.

ARUP Laboratories, Molecular Genetics and Genomics, ARUP Laboratories
Classification: Benign. Last evaluated: 2025-04-08. Review status: criteria provided, single submitter. Criteria: ARUP Molecular Germline Variant Investigation Process 2024. Collection method: clinical testing. Allele origin: germline.

Blueprint Genetics
Classification: Likely benign. Last evaluated: 2024-11-08. Review status: criteria provided, single submitter. Criteria: ACMG Guidelines, 2015. Collection method: clinical testing. Allele origin: germline.

GeneDx
Classification: Benign. Last evaluated: 2013-04-25. Review status: criteria provided, single submitter. Criteria: GeneDx Variant Classification (06012015). Collection method: clinical testing. Allele origin: germline. Affected: yes.
Comment: This variant is considered likely benign or benign based on one or more of the following criteria: it is a conservative change, it occurs at a poorly conserved position in the protein, it is predicted to be benign by multiple in silico algorithms, and/or has population frequency not consistent with disease.